The following is an entry in ClinVar:

NM_006231.4(POLE):c.1178G>A (p.Ser393Asn)

Gene: POLE (DNA polymerase epsilon, catalytic subunit; minus strand). Cytogenetic location: 12q24.33.
Variant type: single nucleotide variant.
Coding change: c.1178G>A on transcript NM_006231.4 (MANE Select); coding-DNA position 1178, G replaced by A.
Protein change: p.Ser393Asn; replaces serine 393 with asparagine.
Molecular consequence: missense variant.
Genome position (GRCh38, 1-based): chr12:132,675,446, C>T on the plus strand (G>A on the coding strand, the complement: POLE is on the minus strand). VCF-style: chr12-132675446-C-T. GRCh37 (hg19) VCF-style: chr12-133252032-C-T.
Other names: c.1178G>A (NM_006231.2); short protein forms S393N.
Identifiers: ClinVar variation 1000886 (VCV001000886.12), dbSNP rs2043024774, ClinGen allele CA387360853.

ClinVar aggregate classification (germline): Uncertain significance. Review status: criteria provided, multiple submitters, no conflicts (2 of 4 stars). 3 submissions from 3 submitters: Uncertain significance (3). Last evaluated 2025-12-24.

Conditions:
Hereditary cancer-predisposing syndrome. Also called: Neoplastic Syndromes, Hereditary; Tumor predisposition; Hereditary Cancer Syndrome; Hereditary neoplastic syndrome. Identifiers: Orphanet 140162, MedGen C0027672, MeSH D009386, MONDO:0015356.

Submissions (3):

Labcorp Genetics (formerly Invitae), Labcorp
Classification: Uncertain significance. Last evaluated: 2025-12-24. Review status: criteria provided, single submitter. Criteria: Invitae Variant Classification Sherloc (09022015). Collection method: clinical testing. Allele origin: germline.
Comment: This sequence change replaces serine, which is neutral and polar, with asparagine, which is neutral and polar, at codon 393 of the POLE protein (p.Ser393Asn). This variant is not present in population databases (gnomAD no frequency). This variant has not been reported in the literature in individuals affected with POLE-related conditions. ClinVar contains an entry for this variant (Variation ID: 1000886). Invitae Evidence Modeling of protein sequence and biophysical properties (such as structural, functional, and spatial information, amino acid conservation, physicochemical variation, residue mobility, and thermodynamic stability) indicates that this missense variant is not expected to disrupt POLE protein function with a negative predictive value of 80%. In summary, the available evidence is currently insufficient to determine the role of this variant in disease. Therefore, it has been classified as a Variant of Uncertain Significance.

Ambry Genetics
Classification: Uncertain significance for Hereditary cancer-predisposing syndrome. Last evaluated: 2025-08-03. Review status: criteria provided, single submitter. Criteria: Ambry Variant Classification Scheme 2023. Collection method: clinical testing. Allele origin: germline.
Comment: The p.S393N variant (also known as c.1178G>A), located in coding exon 12 of the POLE gene, results from a G to A substitution at nucleotide position 1178. The serine at codon 393 is replaced by asparagine, an amino acid with highly similar properties. This amino acid position is well conserved in available vertebrate species. In addition, this alteration is predicted to be tolerated by in silico analysis. Since supporting evidence is limited at this time, the clinical significance of this alteration remains unclear.

GeneDx
Classification: Uncertain significance. Last evaluated: 2023-12-10. Review status: criteria provided, single submitter. Criteria: GeneDx Variant Classification Process June 2021. Collection method: clinical testing. Allele origin: germline. Affected: yes.
Comment: Not observed at significant frequency in large population cohorts (gnomAD); In silico analysis supports that this missense variant does not alter protein structure/function; Has not been previously published as pathogenic or benign to our knowledge; This variant is associated with the following publications: (PMID: 20951805)